The following is an entry in ClinVar:

ClinVar aggregate classification (germline): Uncertain significance (1 of 4 stars; one submission).

Conditions:
Autism spectrum disorder due to AUTS2 deficiency (MRD26). Also called: INTELLECTUAL DEVELOPMENTAL DISORDER, AUTOSOMAL DOMINANT 26. Identifiers: Orphanet 352490, MedGen C4014435, MONDO:0014361, OMIM 615834.

Submission:

Dasa
Classification: Uncertain significance for Autism spectrum disorder due to AUTS2 deficiency. Last evaluated: 2025-06-12. Review status: criteria provided, single submitter. Criteria: DASA Assertion Criteria. Collection method: clinical testing. Allele origin: germline.
Comment: NM_015570.4(AUTS2):c.465C>A (p.Asp155Glu) is a missense variant that results in the substitution of aspartic acid with glutamic acid. This variant is absent from population databases. Computational prediction algorithms are consistent with a benign effect. The currently available literature and clinical evidence are not sufficient to establish a definitive association between this variant and the reported condition. Therefore, this variant is classified as a variant of uncertain significance.

NM_015570.4(AUTS2):c.465C>A (p.Asp155Glu)

Gene: AUTS2 (activator of transcription and developmental regulator AUTS2; plus strand). Cytogenetic location: 7q11.22.
Variant type: single nucleotide variant.
Coding change: c.465C>A on transcript NM_015570.4 (MANE Select); coding-DNA position 465, C replaced by A.
Protein change: p.Asp155Glu; replaces aspartic acid 155 with glutamic acid.
Molecular consequence: missense variant.
Genome position (GRCh38, 1-based): chr7:69,899,441, C>A. VCF-style: chr7-69899441-C-A. GRCh37 (hg19) VCF-style: chr7-69364427-C-A.
Other names: c.465C>A, p.Asp155Glu (NM_001127231.3, NM_001127232.3); short protein forms D155E.
Identifiers: ClinVar variation 4881305 (VCV004881305.2).